The following is an entry in ClinVar:

NM_001134407.3(GRIN2A):c.1012A>G (p.Met338Val)

Gene: GRIN2A (glutamate ionotropic receptor NMDA type subunit 2A; minus strand). Cytogenetic location: 16p13.2.
Variant type: single nucleotide variant.
Coding change: c.1012A>G on transcript NM_001134407.3 (MANE Select); coding-DNA position 1012, A replaced by G.
Protein change: p.Met338Val; replaces methionine 338 with valine.
Molecular consequence: missense variant.
Genome position (GRCh38, 1-based): chr16:9,891,096, T>C on the plus strand (A>G on the coding strand, the complement: GRIN2A is on the minus strand). VCF-style: chr16-9891096-T-C. GRCh37 (hg19) VCF-style: chr16-9984953-T-C.
Other names: c.1012A>G (NM_000833.3); c.1012A>G, p.Met338Val (NM_000833.5, NM_001134408.2); short protein forms M338V.
Identifiers: ClinVar variation 1693282 (VCV001693282.10), dbSNP rs1453013171, ClinGen allele CA394797615.

ClinVar aggregate classification (germline): Uncertain significance. Review status: criteria provided, multiple submitters, no conflicts (2 of 4 stars). 4 submissions from 4 submitters: Uncertain significance (4). Last evaluated 2024-10-23.

Conditions:
Landau-Kleffner syndrome (FESD). Also called: EPILEPSY, FOCAL, WITH SPEECH DISORDER AND WITH OR WITHOUT MENTAL RETARDATION; APHASIA, ACQUIRED, WITH EPILEPSY. Identifiers: Orphanet 1945, Orphanet 725, Orphanet 98818, MedGen C0282512, MONDO:0009509, OMIM 245570.
Complex neurodevelopmental disorder. Identifiers: Orphanet 528084, MedGen C5568766, MONDO:0100038.

Allele frequency attached by ClinVar (database versions not stated): gnomAD exomes below 0.00001.
gnomAD v4.1: 2 of 1,599,078 alleles (0.00013%); highest among the groups gnomAD compares: Non-Finnish European, 0.00017%; no homozygotes.

Submissions (4):

Labcorp Genetics (formerly Invitae), Labcorp
Classification: Uncertain significance for Landau-Kleffner syndrome. Last evaluated: 2024-10-23. Review status: criteria provided, single submitter. Criteria: Invitae Variant Classification Sherloc (09022015). Collection method: clinical testing. Allele origin: germline.
Comment: This sequence change replaces methionine, which is neutral and non-polar, with valine, which is neutral and non-polar, at codon 338 of the GRIN2A protein (p.Met338Val). This variant is not present in population databases (gnomAD no frequency). This variant has not been reported in the literature in individuals affected with GRIN2A-related conditions. This missense change has been observed in at least one individual who was not affected with GRIN2A-related conditions (internal data). ClinVar contains an entry for this variant (Variation ID: 1693282). Invitae Evidence Modeling of protein sequence and biophysical properties (such as structural, functional, and spatial information, amino acid conservation, physicochemical variation, residue mobility, and thermodynamic stability) has been performed for this missense variant. However, the output from this modeling did not meet the statistical confidence thresholds required to predict the impact of this variant on GRIN2A protein function. In summary, the available evidence is currently insufficient to determine the role of this variant in disease. Therefore, it has been classified as a Variant of Uncertain Significance.

GeneDx
Classification: Uncertain significance. Last evaluated: 2023-12-12. Review status: criteria provided, single submitter. Criteria: GeneDx Variant Classification Process June 2021. Collection method: clinical testing. Allele origin: germline. Affected: yes.
Comment: Not observed at significant frequency in large population cohorts (gnomAD); In silico analysis supports that this missense variant does not alter protein structure/function; Has not been previously published as pathogenic or benign to our knowledge

Blueprint Genetics
Classification: Uncertain significance. Last evaluated: 2022-03-11. Review status: criteria provided, single submitter. Criteria: ACMG Guidelines, 2015. Collection method: clinical testing. Allele origin: germline.

Illumina Laboratory Services, Illumina
Classification: Uncertain significance for Complex neurodevelopmental disorder. Last evaluated: 2022-02-07. Review status: criteria provided, single submitter. Criteria: ICSLVariantClassificationCriteria RUGD 01 April 2020. Collection method: clinical testing. Allele origin: unknown.
Comment: The GRIN2A c.1012A>G (p.Met338Val) missense variant results in the substitution of methionine at amino acid 338 with valine. To our knowledge, this variant has not been reported in the peer-reviewed literature. This variant is not found in version 2.1.1 or version 3.1.2 of the Genome Aggregation Database. Based on the available evidence, the c.1012A>G (p.Met338Val) variant is classified as a variant of uncertain significance for GRIN2A-complex neurodevelopmental disorder.